The following is an entry in ClinVar:

ClinVar aggregate classification (germline): Uncertain significance. Review status: criteria provided, multiple submitters, no conflicts (2 of 4 stars). 2 submissions from 2 submitters: Uncertain significance (2). Last evaluated 2024-05-24.

Conditions:
Idiopathic generalized epilepsy. Also called: Generalised epilepsy; EIG. Identifiers: MedGen C0270850, MONDO:0005579, OMIM 600669.
Hyperaldosteronism, familial, type IV (HALD4). Also called: FH IV; ALDOSTERONISM, PRIMARY, AND HYPERTENSION. Identifiers: Orphanet 642671, MedGen C4310756, MONDO:0014875, OMIM 617027.
Inborn genetic diseases. Identifiers: MedGen C0950123, MeSH D030342.

Allele frequency attached by ClinVar (database versions not stated): gnomAD exomes below 0.00001; gnomAD 0.00001; TOPMed 0.00002.

Submissions (2):

Ambry Genetics
Classification: Uncertain significance for Inborn genetic diseases. Last evaluated: 2024-05-24. Review status: criteria provided, single submitter. Criteria: Ambry Variant Classification Scheme 2023. Collection method: clinical testing. Allele origin: germline.

Labcorp Genetics (formerly Invitae), Labcorp
Classification: Uncertain significance for Idiopathic generalized epilepsy; Hyperaldosteronism, familial, type IV. Last evaluated: 2023-11-13. Review status: criteria provided, single submitter. Criteria: Invitae Variant Classification Sherloc (09022015). Collection method: clinical testing. Allele origin: germline.
Comment: This sequence change replaces aspartic acid, which is acidic and polar, with asparagine, which is neutral and polar, at codon 953 of the CACNA1H protein (p.Asp953Asn). The frequency data for this variant in the population databases is considered unreliable, as metrics indicate poor data quality at this position in the gnomAD database. This variant has not been reported in the literature in individuals affected with CACNA1H-related conditions. Advanced modeling of protein sequence and biophysical properties (such as structural, functional, and spatial information, amino acid conservation, physicochemical variation, residue mobility, and thermodynamic stability) has been performed at Invitae for this missense variant, however the output from this modeling did not meet the statistical confidence thresholds required to predict the impact of this variant on CACNA1H protein function. In summary, the available evidence is currently insufficient to determine the role of this variant in disease. Therefore, it has been classified as a Variant of Uncertain Significance.

NM_021098.3(CACNA1H):c.2857G>A (p.Asp953Asn)

Gene: CACNA1H (calcium voltage-gated channel subunit alpha1 H; plus strand). Cytogenetic location: 16p13.3.
Variant type: single nucleotide variant.
Coding change: c.2857G>A on transcript NM_021098.3 (MANE Select); coding-DNA position 2857, G replaced by A.
Protein change: p.Asp953Asn; replaces aspartic acid 953 with asparagine.
Molecular consequence: missense variant.
Genome position (GRCh38, 1-based): chr16:1,207,068, G>A. VCF-style: chr16-1207068-G-A. GRCh37 (hg19) VCF-style: chr16-1257068-G-A.
Other names: c.2857G>A (NM_021098.2); c.2857G>A, p.Asp953Asn (NM_001005407.2); short protein forms D953N.
Identifiers: ClinVar variation 2926534 (VCV002926534.4), dbSNP rs955550456, ClinGen allele CA276660537.